The following is an entry in ClinVar:

NM_145059.3(FCSK):c.2521+1G>T

Gene: FCSK (fucose kinase; plus strand). Cytogenetic location: 16q22.1.
Variant type: single nucleotide variant.
Coding change: c.2521+1G>T on transcript NM_145059.3 (MANE Select); the canonical splice donor site of the intron after coding-DNA position 2521, G replaced by T.
Molecular consequence: splice donor variant.
Genome position (GRCh38, 1-based): chr16:70,475,494, G>T. VCF-style: chr16-70475494-G-T. GRCh37 (hg19) VCF-style: chr16-70509397-G-T.
Identifiers: ClinVar variation 2705576 (VCV002705576.3), dbSNP rs2507443078, ClinGen allele CA396573789.

ClinVar aggregate classification (germline): Uncertain significance (1 of 4 stars; one submission).

Allele frequency attached by ClinVar (database versions not stated): gnomAD exomes 0.00001.
gnomAD v4.1: 7 of 1,601,642 alleles (0.00044%); highest among the groups gnomAD compares: Non-Finnish European, 0.00059%; no homozygotes.

Submission:

Labcorp Genetics (formerly Invitae), Labcorp
Classification: Uncertain significance. Last evaluated: 2023-12-26. Review status: criteria provided, single submitter. Criteria: Invitae Variant Classification Sherloc (09022015). Collection method: clinical testing. Allele origin: germline.
Comment: This sequence change affects a donor splice site in intron 19 of the FUK gene. It is expected to disrupt RNA splicing. Variants that disrupt the donor or acceptor splice site typically lead to a loss of protein function (PMID: 16199547), however the current clinical and genetic evidence is not sufficient to establish whether loss-of-function variants in FUK cause disease. This variant is not present in population databases (gnomAD no frequency). This variant has not been reported in the literature in individuals affected with FUK-related conditions. Algorithms developed to predict the effect of sequence changes on RNA splicing suggest that this variant may disrupt the consensus splice site. In summary, the available evidence is currently insufficient to determine the role of this variant in disease. Therefore, it has been classified as a Variant of Uncertain Significance.

Literature cited by the submitters: PubMed 16199547.